The following is an entry in ClinVar:

NM_005732.4(RAD50):c.2594G>A (p.Ser865Asn)

Gene: RAD50 (RAD50 double strand break repair protein; plus strand). Cytogenetic location: 5q31.1.
Variant type: single nucleotide variant.
Coding change: c.2594G>A on transcript NM_005732.4 (MANE Select); coding-DNA position 2594, G replaced by A.
Protein change: p.Ser865Asn; replaces serine 865 with asparagine.
Molecular consequence: missense variant.
Genome position (GRCh38, 1-based): chr5:132,604,875, G>A. VCF-style: chr5-132604875-G-A. GRCh37 (hg19) VCF-style: chr5-131940567-G-A.
Other names: short protein forms S865N.
Identifiers: ClinVar variation 1022737 (VCV001022737.11), dbSNP rs1444790340, ClinGen allele CA360956488.

ClinVar aggregate classification (germline): Uncertain significance. Review status: criteria provided, multiple submitters, no conflicts (2 of 4 stars). 2 submissions from 2 submitters: Uncertain significance (2). Last evaluated 2024-09-05.

Conditions:
Hereditary cancer-predisposing syndrome. Also called: Hereditary Cancer Syndrome; Neoplastic Syndromes, Hereditary; Tumor predisposition; Hereditary neoplastic syndrome. Identifiers: Orphanet 140162, MedGen C0027672, MeSH D009386, MONDO:0015356.

Allele frequency attached by ClinVar (database versions not stated): gnomAD 0.00001.
gnomAD v4.1: 2 of 1,613,584 alleles (0.00012%); highest among the groups gnomAD compares: Non-Finnish European, 0.000085%; no homozygotes.

Submissions (2):

Labcorp Genetics (formerly Invitae), Labcorp
Classification: Uncertain significance for Hereditary cancer-predisposing syndrome. Last evaluated: 2024-09-05. Review status: criteria provided, single submitter. Criteria: Invitae Variant Classification Sherloc (09022015). Collection method: clinical testing. Allele origin: germline.
Comment: This sequence change replaces serine, which is neutral and polar, with asparagine, which is neutral and polar, at codon 865 of the RAD50 protein (p.Ser865Asn). This variant is not present in population databases (gnomAD no frequency). This variant has not been reported in the literature in individuals affected with RAD50-related conditions. ClinVar contains an entry for this variant (Variation ID: 1022737). Invitae Evidence Modeling of protein sequence and biophysical properties (such as structural, functional, and spatial information, amino acid conservation, physicochemical variation, residue mobility, and thermodynamic stability) indicates that this missense variant is not expected to disrupt RAD50 protein function with a negative predictive value of 80%. In summary, the available evidence is currently insufficient to determine the role of this variant in disease. Therefore, it has been classified as a Variant of Uncertain Significance.

Ambry Genetics
Classification: Uncertain significance for Hereditary cancer-predisposing syndrome. Last evaluated: 2023-09-07. Review status: criteria provided, single submitter. Criteria: Ambry Variant Classification Scheme 2023. Collection method: clinical testing. Allele origin: germline.
Comment: The p.S865N variant (also known as c.2594G>A), located in coding exon 16 of the RAD50 gene, results from a G to A substitution at nucleotide position 2594. The serine at codon 865 is replaced by asparagine, an amino acid with highly similar properties. This amino acid position is highly conserved in available vertebrate species. In addition, this alteration is predicted to be tolerated by in silico analysis. Since supporting evidence is limited at this time, the clinical significance of this alteration remains unclear.